The following is an entry in ClinVar:

NM_017934.7(PHIP):c.26C>G (p.Ser9Trp)

Genes: PHIP (PHIP subunit of CUL4-Ring ligase complex; minus strand), LOC129996745 (ATAC-STARR-seq lymphoblastoid silent region 17346; plus strand). Cytogenetic location: 6q14.1.
Variant type: single nucleotide variant.
Coding change: c.26C>G on transcript NM_017934.7 (MANE Select); coding-DNA position 26, C replaced by G.
Protein change: p.Ser9Trp; replaces serine 9 with tryptophan.
Molecular consequence: missense variant.
Genome position (GRCh38, 1-based): chr6:79,078,043, G>C on the plus strand (C>G on the coding strand, the complement: PHIP is on the minus strand). VCF-style: chr6-79078043-G-C. GRCh37 (hg19) VCF-style: chr6-79787760-G-C.
Other names: short protein forms S9W.
Identifiers: ClinVar variation 4529540 (VCV004529540.2).
Genomic context (GRCh38, chr6:79,078,043, plus strand): 5'-GGCGGAATCGCCCGGTGCCAGCGGCCCCGGCAGCCCCCCGACTTACCCGATCGCAGCTCC[G>C]AGAGGCCTTTCCTCTCACAAGACATGTTTATGGGTCACTTCAGGGCCGCCGACGGGACAC-3'
Protein context (NP_060404.4, residues 1-19): MSCERKGL[Ser9Trp]ELRSELYFLI

ClinVar aggregate classification (germline): Uncertain significance (1 of 4 stars; one submission).

Submission:

GeneDx
Classification: Uncertain significance. Last evaluated: 2026-07-10. Review status: criteria provided, single submitter. Criteria: GeneDx Variant Classification Process June 2021. Collection method: clinical testing. Allele origin: germline.
Comment: Not observed at significant frequency in large population cohorts (gnomAD); In silico analysis supports that this missense variant has a deleterious effect on protein structure/function; Has not been previously published as pathogenic or benign to our knowledge